The following is an entry in ClinVar:

ClinVar aggregate classification (germline): Uncertain significance. Review status: criteria provided, multiple submitters, no conflicts (2 of 4 stars). 3 submissions from 3 submitters: Uncertain significance (3). Last evaluated 2024-10-17.

Conditions:
Methylcobalamin deficiency type cblG (HMAG). Also called: Functional methionine synthase deficiency type cblG; HOMOCYSTINURIA-MEGALOBLASTIC ANEMIA, cblG TYPE; HOMOCYSTINURIA-MEGALOBLASTIC ANEMIA, cblG COMPLEMENTATION TYPE; HOMOCYSTINURIA-MEGALOBLASTIC ANEMIA DUE TO DEFECT IN COBALAMIN METABOLISM, cblG COMPLEMENTATION TYPE. Identifiers: Orphanet 2170, Orphanet 622, MedGen C1855128, MONDO:0009609, OMIM 250940.

Allele frequency attached by ClinVar (database versions not stated): TOPMed below 0.00001; gnomAD 0.00001; gnomAD exomes 0.00001 and 0.00002; ExAC 0.00002.
gnomAD v4.1: 4 of 1,613,742 alleles (0.00025%); highest among the groups gnomAD compares: Admixed American, 0.0067%; no homozygotes.

Submissions (3):

Labcorp Genetics (formerly Invitae), Labcorp
Classification: Uncertain significance for Methylcobalamin deficiency type cblG. Last evaluated: 2024-10-17. Review status: criteria provided, single submitter. Criteria: Invitae Variant Classification Sherloc (09022015). Collection method: clinical testing. Allele origin: germline.
Comment: This sequence change replaces alanine, which is neutral and non-polar, with serine, which is neutral and polar, at codon 678 of the MTR protein (p.Ala678Ser). This variant is present in population databases (rs759130222, gnomAD 0.01%). This variant has not been reported in the literature in individuals affected with MTR-related conditions. ClinVar contains an entry for this variant (Variation ID: 1310236). Invitae Evidence Modeling of protein sequence and biophysical properties (such as structural, functional, and spatial information, amino acid conservation, physicochemical variation, residue mobility, and thermodynamic stability) indicates that this missense variant is not expected to disrupt MTR protein function with a negative predictive value of 95%. In summary, the available evidence is currently insufficient to determine the role of this variant in disease. Therefore, it has been classified as a Variant of Uncertain Significance.

Revvity Omics, Revvity
Classification: Uncertain significance for Methylcobalamin deficiency type cblG. Last evaluated: 2021-12-14. Review status: criteria provided, single submitter. Criteria: ACMG Guidelines, 2015. Collection method: clinical testing. Allele origin: germline.

GeneDx
Classification: Uncertain significance. Last evaluated: 2019-11-08. Review status: criteria provided, single submitter. Criteria: GeneDx Variant Classification Process June 2021. Collection method: clinical testing. Allele origin: germline. Affected: yes.
Comment: Not observed at a significant frequency in large population cohorts (Lek et al., 2016); In silico analysis, which includes protein predictors and evolutionary conservation, supports that this variant does not alter protein structure/function; Has not been previously published as pathogenic or benign to our knowledge

NM_000254.3(MTR):c.2032G>T (p.Ala678Ser)

Gene: MTR (5-methyltetrahydrofolate-homocysteine methyltransferase; plus strand). Cytogenetic location: 1q43.
Variant type: single nucleotide variant.
Coding change: c.2032G>T on transcript NM_000254.3 (MANE Select); coding-DNA position 2032, G replaced by T.
Protein change: p.Ala678Ser; replaces alanine 678 with serine.
Molecular consequence: missense variant.
Genome position (GRCh38, 1-based): chr1:236,859,911, G>T. VCF-style: chr1-236859911-G-T. GRCh37 (hg19) VCF-style: chr1-237023211-G-T.
Other names: c.2032G>T, p.Ala678Ser (NM_001291939.1); c.811G>T, p.Ala271Ser (NM_001291940.2); short protein forms A271S, A678S.
Identifiers: ClinVar variation 1310236 (VCV001310236.8), dbSNP rs759130222, ClinGen allele CA1474245.
Genomic context (GRCh38, chr1:236,859,911, plus strand): 5'-AAGAAAGTCATTCAGACTGATGAGTGGAGAAATGGCCCTGTCGAAGAACGCCTTGAGTAT[G>T]CCCTTGTGAAGGTAAGTTACAGGGGCCTGAACTGGAGGGCTGGAGGCTCATCATGGCTGA-3'
Protein context (NP_000245.2, residues 668-688): NGPVEERLEY[Ala678Ser]LVKGIEKHII